The following is an entry in ClinVar:

ClinVar aggregate classification (germline): Uncertain significance. Review status: criteria provided, multiple submitters, no conflicts (2 of 4 stars). 2 submissions from 2 submitters: Uncertain significance (2). Last evaluated 2024-05-15.

Conditions:
Colorectal cancer. Also called: Colorectal cancer, somatic; Malignant Colorectal Neoplasm. Identifiers: MedGen C0346629, MONDO:0005575, OMIM 114500.
Endometrial carcinoma. Also called: Endometrial carcinoma, somatic. Identifiers: MedGen C0476089, MONDO:0002447, OMIM 608089, HP:0012114.
Colorectal cancer, hereditary nonpolyposis, type 7. Identifiers: Orphanet 144, MedGen C1858380, MONDO:0013725, OMIM 614385.

Submissions (2):

Fulgent Genetics
Classification: Uncertain significance for Colorectal cancer; Endometrial carcinoma; Colorectal cancer, hereditary nonpolyposis, type 7. Last evaluated: 2024-05-15. Review status: criteria provided, single submitter. Criteria: ACMG Guidelines, 2015. Collection method: clinical testing. Allele origin: germline.

Ambry Genetics
Classification: Uncertain significance. Last evaluated: 2024-04-24. Review status: criteria provided, single submitter. Criteria: Ambry Variant Classification Scheme 2023. Collection method: clinical testing. Allele origin: germline.
Comment: The p.D361V variant (also known as c.1082A>T), located in coding exon 1 of the MLH3 gene, results from an A to T substitution at nucleotide position 1082. The aspartic acid at codon 361 is replaced by valine, an amino acid with highly dissimilar properties. This amino acid position is conserved. In addition, this alteration is predicted to be deleterious by in silico analysis. Based on the available evidence, the clinical significance of this variant remains unclear.

NM_001040108.2(MLH3):c.1082A>T (p.Asp361Val)

Gene: MLH3 (mutL homolog 3; minus strand). Cytogenetic location: 14q24.3.
Variant type: single nucleotide variant.
Coding change: c.1082A>T on transcript NM_001040108.2 (MANE Select); coding-DNA position 1082, A replaced by T.
Protein change: p.Asp361Val; replaces aspartic acid 361 with valine.
Molecular consequence: missense variant.
Genome position (GRCh38, 1-based): chr14:75,048,574, T>A on the plus strand (A>T on the coding strand, the complement: MLH3 is on the minus strand). VCF-style: chr14-75048574-T-A. GRCh37 (hg19) VCF-style: chr14-75515277-T-A.
Other names: c.1082A>T, p.Asp361Val (NM_014381.3); short protein forms D361V.
Identifiers: ClinVar variation 3295116 (VCV003295116.2).